The following is an entry in ClinVar:

NM_015175.3(NBEAL2):c.1147C>A (p.His383Asn)

Gene: NBEAL2 (neurobeachin like 2; plus strand). Cytogenetic location: 3p21.31.
Variant type: single nucleotide variant.
Coding change: c.1147C>A on transcript NM_015175.3 (MANE Select); coding-DNA position 1147, C replaced by A.
Protein change: p.His383Asn; replaces histidine 383 with asparagine.
Molecular consequence: missense variant.
Genome position (GRCh38, 1-based): chr3:46,993,970, C>A. VCF-style: chr3-46993970-C-A. GRCh37 (hg19) VCF-style: chr3-47035460-C-A.
Other names: c.1045C>A, p.His349Asn (NM_001365116.2); short protein forms H349N, H383N.
Identifiers: ClinVar variation 2634607 (VCV002634607.1), dbSNP rs373692683, ClinGen allele CA2360312.

ClinVar aggregate classification (germline): Uncertain significance (1 of 4 stars; one submission).

Conditions:
NBEAL2-related disorder. Also called: NBEAL2-related condition.

Allele frequency attached by ClinVar (database versions not stated): ExAC 0.00004; gnomAD 0.00010; ESP Exome Variant Server 0.00016.
gnomAD v4.1: 26 of 1,611,870 alleles (0.0016%); highest among the groups gnomAD compares: African/African-American, 0.033%; no homozygotes.

Submission:

PreventionGenetics, part of Exact Sciences
Classification: Uncertain significance for NBEAL2-related condition. Last evaluated: 2023-08-01. Review status: criteria provided, single submitter. Criteria: ACMG Guidelines, 2015. Collection method: clinical testing. Allele origin: germline.
Comment: The NBEAL2 c.1147C>A variant is predicted to result in the amino acid substitution p.His383Asn. To our knowledge, this variant has not been reported in the literature. This variant is reported in 0.030% of alleles in individuals of African descent in gnomAD. At this time, the clinical significance of this variant is uncertain due to the absence of conclusive functional and genetic evidence.